The following is an entry in ClinVar:

NM_032043.3(BRIP1):c.3696G>T (p.Lys1232Asn)

Gene: BRIP1 (BRCA1 interacting DNA helicase 1; minus strand). Cytogenetic location: 17q23.2.
Variant type: single nucleotide variant.
Coding change: c.3696G>T on transcript NM_032043.3 (MANE Select); coding-DNA position 3696, G replaced by T.
Protein change: p.Lys1232Asn; replaces lysine 1232 with asparagine.
Molecular consequence: missense variant.
Genome position (GRCh38, 1-based): chr17:61,683,350, C>A on the plus strand (G>T on the coding strand, the complement: BRIP1 is on the minus strand). VCF-style: chr17-61683350-C-A. GRCh37 (hg19) VCF-style: chr17-59760711-C-A.
Other names: short protein forms K1232N.
Identifiers: ClinVar variation 1733998 (VCV001733998.2), dbSNP rs2061297235, ClinGen allele CA400477802.

ClinVar aggregate classification (germline): Uncertain significance (1 of 4 stars; one submission).

Conditions:
Hereditary cancer-predisposing syndrome. Also called: Neoplastic Syndromes, Hereditary; Tumor predisposition; Hereditary Cancer Syndrome; Hereditary neoplastic syndrome. Identifiers: Orphanet 140162, MedGen C0027672, MeSH D009386, MONDO:0015356.

Allele frequency attached by ClinVar (database versions not stated): TOPMed below 0.00001; gnomAD 0.00001.
gnomAD v4.1: 2 of 1,611,356 alleles (0.00012%); highest among the groups gnomAD compares: Non-Finnish European, 0.00017%; no homozygotes.

Submission:

Ambry Genetics
Classification: Uncertain significance for Hereditary cancer-predisposing syndrome. Last evaluated: 2021-12-11. Review status: criteria provided, single submitter. Criteria: Ambry Variant Classification Scheme 2023. Collection method: clinical testing. Allele origin: germline.
Comment: The p.K1232N variant (also known as c.3696G>T), located in coding exon 19 of the BRIP1 gene, results from a G to T substitution at nucleotide position 3696. The lysine at codon 1232 is replaced by asparagine, an amino acid with similar properties. This amino acid position is conserved. In addition, this alteration is predicted to be tolerated by in silico analysis. Since supporting evidence is limited at this time, the clinical significance of this alteration remains unclear.